The following is an entry in ClinVar:

ClinVar aggregate classification (germline): Uncertain significance (1 of 4 stars; one submission).

Conditions:
Cardiomyopathy (CMYO). Also called: Cardiomyopathies. Identifiers: Orphanet 167848, MedGen C0878544, MONDO:0004994, HP:0001638. Inheritance: Various modes of inheritance.

Allele frequency attached by ClinVar (database versions not stated): gnomAD exomes below 0.00001; ExAC 0.00001.
gnomAD v4.1: 4 of 1,613,560 alleles (0.00025%); highest among the groups gnomAD compares: Non-Finnish European, 0.00034%; no homozygotes.

Submission:

Color Diagnostics, LLC DBA Color Health
Classification: Uncertain significance for Cardiomyopathy. Last evaluated: 2024-03-06. Review status: criteria provided, single submitter. Criteria: ACMG Guidelines, 2015. Collection method: clinical testing. Allele origin: germline.
Comment: This missense variant replaces asparagine with aspartic acid at codon 4251 of the RYR2 protein. Computational prediction is inconclusive regarding the impact of this variant on protein structure and function (internally defined REVEL score threshold 0.5 < inconclusive < 0.7, PMID: 27666373). To our knowledge, functional studies have not been reported for this variant. This variant has not been reported in individuals affected with cardiovascular disorders in the literature. This variant has been identified in 2/278940 chromosomes in the general population by the Genome Aggregation Database (gnomAD). The available evidence is insufficient to determine the role of this variant in disease conclusively. Therefore, this variant is classified as a Variant of Uncertain Significance.

NM_001035.3(RYR2):c.12751A>G (p.Asn4251Asp)

Genes: RYR2 (ryanodine receptor 2; plus strand), LOC126806068 (BRD4-independent group 4 enhancer GRCh37_chr1:237947411-237948610; plus strand). Cytogenetic location: 1q43.
Variant type: single nucleotide variant.
Coding change: c.12751A>G on transcript NM_001035.3 (MANE Select); coding-DNA position 12751, A replaced by G.
Protein change: p.Asn4251Asp; replaces asparagine 4251 with aspartic acid.
Molecular consequence: missense variant.
Genome position (GRCh38, 1-based): chr1:237,784,463, A>G. VCF-style: chr1-237784463-A-G. GRCh37 (hg19) VCF-style: chr1-237947763-A-G.
Other names: short protein forms N4251D.
Identifiers: ClinVar variation 927349 (VCV000927349.5), dbSNP rs764955292, ClinGen allele CA085227.
Genomic context (GRCh38, chr1:237,784,463, plus strand): 5'-CCGAGGATGGCTTTCTTCTCCATTCTGACGGTCAGGTCGGCCCTGTTTGCGCTCAGGTAC[A>G]ATATCTTGACCCTTATGCGAATGCTCAGTCTGAAGAGCCTGAAGAAGCAGATGAAAAAAG-3'
Protein context (NP_001026.2, residues 4241-4261): VRSALFALRY[Asn4251Asp]ILTLMRMLSL